The following is an entry in ClinVar:

ClinVar aggregate classification (germline): Benign/Likely benign. Review status: criteria provided, multiple submitters, no conflicts (2 of 4 stars). 3 submissions from 3 submitters: Benign (1); Likely benign (1). 1 of the submissions does not count toward it. Last evaluated 2025-11-10.

Conditions:
SOX6-related disorder. Also called: SOX6-related condition.

Allele frequency attached by ClinVar (database versions not stated): ESP Exome Variant Server 0.00023; TOPMed 0.00048; gnomAD exomes 0.00068 and 0.00170; gnomAD 0.00131 and 0.00137; 1000 Genomes Project 30x 0.00141; 1000 Genomes Project 0.00160; ExAC 0.00164.
gnomAD v4.1: 1,218 of 1,612,256 alleles (0.076%); highest among the groups gnomAD compares: East Asian, 0.78%; 2 homozygotes.

Submissions (3):

Labcorp Genetics (formerly Invitae), Labcorp
Classification: Benign. Last evaluated: 2025-11-10. Review status: criteria provided, single submitter. Criteria: Invitae Variant Classification Sherloc (09022015). Collection method: clinical testing. Allele origin: germline.

CeGaT Center for Human Genetics Tuebingen
Classification: Likely benign. Last evaluated: 2025-05-01. Review status: criteria provided, single submitter. Criteria: CeGaT Center For Human Genetics Tuebingen Variant Classification Criteria Version 2. Collection method: clinical testing. Allele origin: germline. Affected: yes. Observed: 2 variant alleles.
Comment: SOX6: BP4, BP7

PreventionGenetics, part of Exact Sciences
Classification: Benign for SOX6-related condition. Last evaluated: 2019-11-01. Review status: no assertion criteria provided. Collection method: clinical testing. Allele origin: germline. Not counted in ClinVar's aggregate classification.
Comment: This variant is classified as benign based on ACMG/AMP sequence variant interpretation guidelines (Richards et al. 2015 PMID: 25741868, with internal and published modifications).

NM_001367873.1(SOX6):c.720A>G (p.Gln240=)

Gene: SOX6 (SRY-box transcription factor 6; minus strand). Cytogenetic location: 11p15.2.
Variant type: single nucleotide variant.
Coding change: c.720A>G on transcript NM_001367873.1 (MANE Select); coding-DNA position 720, A replaced by G.
Protein change: p.Gln240=; no amino-acid change (glutamine 240 retained).
Molecular consequence: synonymous variant.
Genome position (GRCh38, 1-based): chr11:16,183,943, T>C on the plus strand (A>G on the coding strand, the complement: SOX6 is on the minus strand). VCF-style: chr11-16183943-T-C. GRCh37 (hg19) VCF-style: chr11-16205489-T-C.
Other names: c.720A>G, p.Gln240= (NM_001145811.2, NM_001145819.2, NM_001367872.1 and 2 more transcripts); c.759A>G (NM_001145819.1).
Identifiers: ClinVar variation 1615435 (VCV001615435.33), dbSNP rs139530062, ClinGen allele CA5898355.
Genomic context (GRCh38, chr11:16,183,943, plus strand): 5'-GACCTGGATCTGTTGCTGCAGGAGATTAATTTTGTGCTGCTGTTGCAGAAGTTGCTGCTG[T>C]TGTCTCGCAATCTATCAGAAATAAAGTTTCATTAAGTTAAAATGAAATGCTTACACCTCT-3'
Protein context (NP_001354802.1, residues 230-250): ARQQQEQIAR[Gln240=]QQQLLQQQHK